The following is an entry in ClinVar:

NM_032119.4(ADGRV1):c.3775T>A (p.Ser1259Thr)

Gene: ADGRV1 (adhesion G protein-coupled receptor V1; plus strand). Cytogenetic location: 5q14.3.
Variant type: single nucleotide variant.
Coding change: c.3775T>A on transcript NM_032119.4 (MANE Select); coding-DNA position 3775, T replaced by A.
Protein change: p.Ser1259Thr; replaces serine 1259 with threonine.
Molecular consequence: missense variant. On other transcripts: non-coding transcript variant (1).
Genome position (GRCh38, 1-based): chr5:90,653,349, T>A. VCF-style: chr5-90653349-T-A. GRCh37 (hg19) VCF-style: chr5-89949166-T-A.
Other names: short protein forms S1259T.
Identifiers: ClinVar variation 46320 (VCV000046320.12), dbSNP rs376900429, ClinGen allele CA138114.

ClinVar aggregate classification (germline): Conflicting classifications of pathogenicity. Review status: criteria provided, conflicting classifications (1 of 4 stars). 5 submissions from 5 submitters: Uncertain significance (4); Likely benign (1). Last evaluated 2025-10-03.

Conditions:
ADGRV1-related disorder. Also called: ADGRV1-related disorders; ADGRV1-related condition.
Febrile seizures, familial, 4 (FEB4). Also called: CONVULSIONS, FAMILIAL FEBRILE, 4. Identifiers: MedGen C1858493, MONDO:0011443, OMIM 604352.
Usher syndrome type 2C. Also called: Usher syndrome, type 2B; USHER SYNDROME, TYPE IIC. Identifiers: Orphanet 231178, Orphanet 886, MedGen C2931213, MONDO:0011558, OMIM 605472.

Allele frequency attached by ClinVar (database versions not stated): ExAC 0.00002; gnomAD 0.00002 and 0.00003; gnomAD exomes 0.00002 and 0.00001; TOPMed 0.00002; ESP Exome Variant Server 0.00008.
gnomAD v4.1: 26 of 1,613,858 alleles (0.0016%); highest among the groups gnomAD compares: Non-Finnish European, 0.0022%; no homozygotes.

Submissions (5):

PreventionGenetics, part of Exact Sciences
Classification: Uncertain significance for ADGRV1-related condition. Last evaluated: 2025-10-03. Review status: criteria provided, single submitter. Criteria: ACMG Guidelines, 2015. Collection method: clinical testing. Allele origin: germline.
Comment: The ADGRV1 c.3775T>A variant is predicted to result in the amino acid substitution p.Ser1259Thr. To our knowledge, this variant has not been reported in the literature. This variant is reported in 0.0055% of alleles in individuals of European (Non-Finnish) descent in gnomAD. At this time, the clinical significance of this variant is uncertain due to the absence of conclusive functional and genetic evidence.

Labcorp Genetics (formerly Invitae), Labcorp
Classification: Likely benign. Last evaluated: 2025-09-11. Review status: criteria provided, single submitter. Criteria: Invitae Variant Classification Sherloc (09022015). Collection method: clinical testing. Allele origin: germline.

Blueprint Genetics
Classification: Uncertain significance. Last evaluated: 2024-07-08. Review status: criteria provided, single submitter. Criteria: ACMG Guidelines, 2015. Collection method: clinical testing. Allele origin: germline.

Fulgent Genetics
Classification: Uncertain significance for Febrile seizures, familial, 4; Usher syndrome type 2C. Last evaluated: 2018-10-31. Review status: criteria provided, single submitter. Criteria: ACMG Guidelines, 2015. Collection method: clinical testing. Allele origin: unknown.

Laboratory for Molecular Medicine, Mass General Brigham Personalized Medicine
Classification: Uncertain significance. Last evaluated: 2011-10-17. Review status: criteria provided, single submitter. Criteria: LMM Criteria. Collection method: clinical testing. Allele origin: germline. Observed: 1 variant allele.
Comment: Variant classified as Uncertain Significance - Favor Benign. The Ser1259Thr vari ant in GPR98 has not been reported in the literature nor previously identified b y our laboratory. Although this residue is highly conserved across species and c omputational analyses (PolyPhen2, SIFT, AlignGVGD) suggest that the Ser1259Thr v ariant may impact the protein, this information is not predictive enough to assu me pathogenicity. In summary, the clinical significance of this variant cannot b e determined with certainty at this time.